The following is an entry in ClinVar:

NM_198428.3(BBS9):c.1210A>G (p.Met404Val)

Gene: BBS9 (Bardet-Biedl syndrome 9; plus strand). Cytogenetic location: 7p14.3.
Variant type: single nucleotide variant.
Coding change: c.1210A>G on transcript NM_198428.3 (MANE Select); coding-DNA position 1210, A replaced by G.
Protein change: p.Met404Val; replaces methionine 404 with valine.
Molecular consequence: missense variant. On other transcripts: non-coding transcript variant (3).
Genome position (GRCh38, 1-based): chr7:33,340,908, A>G. VCF-style: chr7-33340908-A-G. GRCh37 (hg19) VCF-style: chr7-33380520-A-G.
Other names: c.1210A>G, p.Met404Val (NM_001033604.2, NM_001033605.2, NM_001348036.1 and 5 more transcripts); c.844A>G, p.Met282Val (NM_001348037.3, NM_001348044.3, NM_001348045.3 and 1 more transcripts); c.937A>G, p.Met313Val (NM_001348038.3, NM_001348039.3); c.1075A>G, p.Met359Val (NM_001348042.3); short protein forms M282V, M359V, M313V, M404V.
Identifiers: ClinVar variation 912145 (VCV000912145.6), dbSNP rs779666112, ClinGen allele CA4214219.

ClinVar aggregate classification (germline): Uncertain significance. Review status: criteria provided, multiple submitters, no conflicts (2 of 4 stars). 3 submissions from 3 submitters: Uncertain significance (2). 1 of the submissions does not count toward it. Last evaluated 2022-06-06.

Conditions:
Bardet-Biedl syndrome 9 (BBS9). Identifiers: Orphanet 110, MedGen C1859567, MONDO:0014437, OMIM 615986.
Bardet-Biedl syndrome (BBS). Identifiers: Orphanet 110, MedGen C0752166, MONDO:0015229.
BBS9-related disorder. Also called: BBS9-related condition.

Allele frequency attached by ClinVar (database versions not stated): TOPMed below 0.00001; gnomAD 0.00001; gnomAD exomes 0.00001; ExAC 0.00002.
gnomAD v4.1: 11 of 1,613,434 alleles (0.00068%); highest among the groups gnomAD compares: African/African-American, 0.004%; no homozygotes.

Submissions (3):

Labcorp Genetics (formerly Invitae), Labcorp
Classification: Uncertain significance for Bardet-Biedl syndrome. Last evaluated: 2022-06-06. Review status: criteria provided, single submitter. Criteria: Invitae Variant Classification Sherloc (09022015). Collection method: clinical testing. Allele origin: germline.
Comment: This sequence change replaces methionine, which is neutral and non-polar, with valine, which is neutral and non-polar, at codon 404 of the BBS9 protein (p.Met404Val). This variant is present in population databases (rs779666112, gnomAD 0.003%). This variant has not been reported in the literature in individuals affected with BBS9-related conditions. ClinVar contains an entry for this variant (Variation ID: 912145). Algorithms developed to predict the effect of missense changes on protein structure and function are either unavailable or do not agree on the potential impact of this missense change (SIFT: "Deleterious"; PolyPhen-2: "Benign"; Align-GVGD: "Class C15"). In summary, the available evidence is currently insufficient to determine the role of this variant in disease. Therefore, it has been classified as a Variant of Uncertain Significance.

Illumina Laboratory Services, Illumina
Classification: Uncertain significance for Bardet-Biedl syndrome 9. Last evaluated: 2018-01-13. Review status: criteria provided, single submitter. Criteria: ICSL Variant Classification Criteria 13 December 2019. Collection method: clinical testing. Allele origin: germline.

PreventionGenetics, part of Exact Sciences
Classification: Uncertain significance for BBS9-related condition. Last evaluated: 2024-07-21. Review status: no assertion criteria provided. Collection method: clinical testing. Allele origin: germline. Not counted in ClinVar's aggregate classification.
Comment: The BBS9 c.1210A>G variant is predicted to result in the amino acid substitution p.Met404Val. To our knowledge, this variant has not been reported in the literature. This variant is reported in 0.0033% of alleles in individuals of South Asian descent in gnomAD. At this time, the clinical significance of this variant is uncertain due to the absence of conclusive functional and genetic evidence.